The following is an entry in ClinVar:

NM_002439.5(MSH3):c.1509G>C (p.Leu503Phe)

Gene: MSH3 (mutS homolog 3; plus strand). Cytogenetic location: 5q14.1.
Variant type: single nucleotide variant.
Coding change: c.1509G>C on transcript NM_002439.5 (MANE Select); coding-DNA position 1509, G replaced by C.
Protein change: p.Leu503Phe; replaces leucine 503 with phenylalanine.
Molecular consequence: missense variant.
Genome position (GRCh38, 1-based): chr5:80,728,906, G>C. VCF-style: chr5-80728906-G-C. GRCh37 (hg19) VCF-style: chr5-80024725-G-C.
Other names: short protein forms L503F.
Identifiers: ClinVar variation 2123721 (VCV002123721.4), dbSNP rs2546754647, ClinGen allele CA360274256.

ClinVar aggregate classification (germline): Uncertain significance (1 of 4 stars; one submission).

Submission:

Labcorp Genetics (formerly Invitae), Labcorp
Classification: Uncertain significance. Last evaluated: 2022-04-09. Review status: criteria provided, single submitter. Criteria: Invitae Variant Classification Sherloc (09022015). Collection method: clinical testing. Allele origin: germline.
Comment: In summary, the available evidence is currently insufficient to determine the role of this variant in disease. Therefore, it has been classified as a Variant of Uncertain Significance. Algorithms developed to predict the effect of missense changes on protein structure and function are either unavailable or do not agree on the potential impact of this missense change (SIFT: "Deleterious"; PolyPhen-2: "Possibly Damaging"; Align-GVGD: "Class C0"). This variant has not been reported in the literature in individuals affected with MSH3-related conditions. This variant is not present in population databases (gnomAD no frequency). This sequence change replaces leucine, which is neutral and non-polar, with phenylalanine, which is neutral and non-polar, at codon 503 of the MSH3 protein (p.Leu503Phe).